The following is an entry in ClinVar:

ClinVar aggregate classification (germline): Uncertain significance. Review status: criteria provided, multiple submitters, no conflicts (2 of 4 stars). 2 submissions from 2 submitters: Uncertain significance (2). Last evaluated 2024-10-22.

Allele frequency attached by ClinVar (database versions not stated): gnomAD exomes 0.00001; ExAC 0.00002.
gnomAD v4.1: 12 of 1,613,960 alleles (0.00074%); highest among the groups gnomAD compares: South Asian, 0.011%; no homozygotes.

Submissions (2):

Labcorp Genetics (formerly Invitae), Labcorp
Classification: Uncertain significance. Last evaluated: 2024-10-22. Review status: criteria provided, single submitter. Criteria: Invitae Variant Classification Sherloc (09022015). Collection method: clinical testing. Allele origin: germline.
Comment: This sequence change replaces alanine, which is neutral and non-polar, with serine, which is neutral and polar, at codon 1223 of the ITPR1 protein (p.Ala1223Ser). This variant is present in population databases (rs749793481, gnomAD 0.01%). This variant has not been reported in the literature in individuals affected with ITPR1-related conditions. ClinVar contains an entry for this variant (Variation ID: 1800875). Invitae Evidence Modeling of protein sequence and biophysical properties (such as structural, functional, and spatial information, amino acid conservation, physicochemical variation, residue mobility, and thermodynamic stability) has been performed for this missense variant. However, the output from this modeling did not meet the statistical confidence thresholds required to predict the impact of this variant on ITPR1 protein function. In summary, the available evidence is currently insufficient to determine the role of this variant in disease. Therefore, it has been classified as a Variant of Uncertain Significance.

GeneDx
Classification: Uncertain significance. Last evaluated: 2022-05-26. Review status: criteria provided, single submitter. Criteria: GeneDx Variant Classification Process June 2021. Collection method: clinical testing. Allele origin: germline. Affected: yes.
Comment: In silico analysis supports that this missense variant does not alter protein structure/function; In silico analysis, which includes splice predictors and evolutionary conservation, suggests this variant may impact gene splicing. In the absence of RNA/functional studies, the actual effect of this sequence change is unknown.; Has not been previously published as pathogenic or benign to our knowledge

NM_001378452.1(ITPR1):c.3739G>T (p.Ala1247Ser)

Gene: ITPR1 (inositol 1,4,5-trisphosphate receptor type 1; plus strand). Cytogenetic location: 3p26.1.
Variant type: single nucleotide variant.
Coding change: c.3739G>T on transcript NM_001378452.1 (MANE Select); coding-DNA position 3739, G replaced by T.
Protein change: p.Ala1247Ser; replaces alanine 1247 with serine.
Molecular consequence: missense variant.
Genome position (GRCh38, 1-based): chr3:4,688,531, G>T. VCF-style: chr3-4688531-G-T. GRCh37 (hg19) VCF-style: chr3-4730215-G-T.
Other names: c.3712G>T, p.Ala1238Ser (NM_001099952.4); c.3694G>T, p.Ala1232Ser (NM_001168272.2); c.3667G>T, p.Ala1223Ser (NM_002222.7); short protein forms A1223S, A1232S, A1238S, A1247S.
Identifiers: ClinVar variation 1800875 (VCV001800875.3), dbSNP rs749793481, ClinGen allele CA2231800.